The following is an entry in ClinVar:

NM_003793.4(CTSF):c.1338T>G (p.Phe446Leu)

Gene: CTSF (cathepsin F; minus strand). Cytogenetic location: 11q13.2.
Variant type: single nucleotide variant.
Coding change: c.1338T>G on transcript NM_003793.4 (MANE Select); coding-DNA position 1338, T replaced by G.
Protein change: p.Phe446Leu; replaces phenylalanine 446 with leucine.
Molecular consequence: missense variant.
Genome position (GRCh38, 1-based): chr11:66,564,130, A>C on the plus strand (T>G on the coding strand, the complement: CTSF is on the minus strand). VCF-style: chr11-66564130-A-C. GRCh37 (hg19) VCF-style: chr11-66331601-A-C.
Other names: short protein forms F446L.
Identifiers: ClinVar variation 4072551 (VCV004072551.1).

ClinVar aggregate classification (germline): Uncertain significance (1 of 4 stars; one submission).

Submission:

GeneDx
Classification: Uncertain significance. Last evaluated: 2025-01-29. Review status: criteria provided, single submitter. Criteria: GeneDx Variant Classification Process June 2021. Collection method: clinical testing. Allele origin: germline. Affected: yes.
Comment: Not observed at significant frequency in large population cohorts (gnomAD); In silico analysis supports that this missense variant has a deleterious effect on protein structure/function; Has not been previously published as pathogenic or benign to our knowledge